The following is an entry in ClinVar:

NM_013432.5(TONSL):c.119A>T (p.His40Leu)

Genes: TONSL (tonsoku like, DNA repair protein; minus strand), LOC130001399 (ATAC-STARR-seq lymphoblastoid silent region 19685; plus strand). Cytogenetic location: 8q24.3.
Variant type: single nucleotide variant.
Coding change: c.119A>T on transcript NM_013432.5 (MANE Select); coding-DNA position 119, A replaced by T.
Protein change: p.His40Leu; replaces histidine 40 with leucine.
Molecular consequence: missense variant.
Genome position (GRCh38, 1-based): chr8:144,444,182, T>A on the plus strand (A>T on the coding strand, the complement: TONSL is on the minus strand). VCF-style: chr8-144444182-T-A. GRCh37 (hg19) VCF-style: chr8-145669565-T-A.
Other names: short protein forms H40L.
Identifiers: ClinVar variation 2745224 (VCV002745224.3), dbSNP rs2537511562, ClinGen allele CA372679781.

ClinVar aggregate classification (germline): Uncertain significance (1 of 4 stars; one submission).

gnomAD v4.1: 1 of 1,445,292 alleles (0.000069%); highest among the groups gnomAD compares: South Asian, 0.0013%; no homozygotes.

Submission:

Labcorp Genetics (formerly Invitae), Labcorp
Classification: Uncertain significance. Last evaluated: 2023-12-11. Review status: criteria provided, single submitter. Criteria: Invitae Variant Classification Sherloc (09022015). Collection method: clinical testing. Allele origin: germline.
Comment: This sequence change replaces histidine, which is basic and polar, with leucine, which is neutral and non-polar, at codon 40 of the TONSL protein (p.His40Leu). This variant is not present in population databases (gnomAD no frequency). This variant has not been reported in the literature in individuals affected with TONSL-related conditions. An algorithm developed to predict the effect of missense changes on protein structure and function (PolyPhen-2) suggests that this variant is likely to be disruptive. In summary, the available evidence is currently insufficient to determine the role of this variant in disease. Therefore, it has been classified as a Variant of Uncertain Significance.